The following is an entry in ClinVar:

NM_003200.5(TCF3):c.1485C>T (p.Ser495=)

Gene: TCF3 (transcription factor 3; minus strand). Cytogenetic location: 19p13.3.
Variant type: single nucleotide variant.
Coding change: c.1485C>T on transcript NM_003200.5 (MANE Select); coding-DNA position 1485, C replaced by T.
Protein change: p.Ser495=; no amino-acid change (serine 495 retained).
Molecular consequence: synonymous variant.
Genome position (GRCh38, 1-based): chr19:1,615,787, G>A on the plus strand (C>T on the coding strand, the complement: TCF3 is on the minus strand). VCF-style: chr19-1615787-G-A. GRCh37 (hg19) VCF-style: chr19-1615786-G-A.
Other names: c.1485C>T, p.Ser495= (NM_001136139.4, NM_001351779.2); c.1482C>T, p.Ser494= (NM_001351778.2).
Identifiers: ClinVar variation 790196 (VCV000790196.12), dbSNP rs144425988, ClinGen allele CA9049799.

ClinVar aggregate classification (germline): Likely benign. Review status: criteria provided, multiple submitters, no conflicts (2 of 4 stars). 3 submissions from 3 submitters: Likely benign (2). 1 of the submissions does not count toward it. Last evaluated 2026-02-01.

Conditions:
TCF3-related disorder. Also called: TCF3-related condition.

Allele frequency attached by ClinVar (database versions not stated): gnomAD exomes 0.00010 and 0.00018; ExAC 0.00016; 1000 Genomes Project 0.00040; 1000 Genomes Project 30x 0.00047; gnomAD 0.00056 and 0.00061; TOPMed 0.00062; ESP Exome Variant Server 0.00069.
gnomAD v4.1: 235 of 1,580,520 alleles (0.015%); highest among the groups gnomAD compares: African/African-American, 0.19%; 1 homozygote.

Submissions (4):

Labcorp Genetics (formerly Invitae), Labcorp
Classification: Likely benign. Last evaluated: 2026-02-01. Review status: criteria provided, single submitter. Criteria: Invitae Variant Classification Sherloc (09022015). Collection method: clinical testing. Allele origin: germline.

Blueprint Genetics
Classification: Likely benign. Last evaluated: 2024-09-14. Review status: criteria provided, single submitter. Criteria: ACMG Guidelines, 2015. Collection method: clinical testing. Allele origin: germline.

PreventionGenetics, part of Exact Sciences
Classification: Likely benign for TCF3-related condition. Last evaluated: 2024-04-16. Review status: no assertion criteria provided. Collection method: clinical testing. Allele origin: germline. Not counted in ClinVar's aggregate classification.
Comment: This variant is classified as likely benign based on ACMG/AMP sequence variant interpretation guidelines (Richards et al. 2015 PMID: 25741868, with internal and published modifications).

Dr. Peter K. Rogan Lab, Western University
No classification provided (evidence only). Condition: Cervical cancer. Review status: no classification provided. Collection method: in vitro. Allele origin: not applicable. Functional consequence: retained intron. Not counted in ClinVar's aggregate classification.